The following is an entry in ClinVar:

ClinVar aggregate classification (germline): Pathogenic/Likely pathogenic. Review status: criteria provided, multiple submitters, no conflicts (2 of 4 stars). 2 submissions from 2 submitters: Pathogenic (1); Likely pathogenic (1). Last evaluated 2024-02-07.

Conditions:
ZFYVE26-related disorder. Also called: ZFYVE26-related condition.
Spastic paraplegia. Identifiers: MedGen C0037772, HP:0001258.

Allele frequency attached by ClinVar (database versions not stated): gnomAD exomes below 0.00001.
gnomAD v4.1: 1 of 1,613,846 alleles (0.000062%); highest among the groups gnomAD compares: Non-Finnish European, 0.000085%; no homozygotes.

Submissions (2):

Labcorp Genetics (formerly Invitae), Labcorp
Classification: Pathogenic for Spastic paraplegia. Last evaluated: 2024-02-07. Review status: criteria provided, single submitter. Criteria: Invitae Variant Classification Sherloc (09022015). Collection method: clinical testing. Allele origin: germline.
Comment: This sequence change creates a premature translational stop signal (p.Trp1536*) in the ZFYVE26 gene. It is expected to result in an absent or disrupted protein product. Loss-of-function variants in ZFYVE26 are known to be pathogenic (PMID: 18394578, 19805727). This variant is not present in population databases (gnomAD no frequency). This variant has not been reported in the literature in individuals affected with ZFYVE26-related conditions. ClinVar contains an entry for this variant (Variation ID: 1454513). For these reasons, this variant has been classified as Pathogenic.

Blueprint Genetics
Classification: Likely pathogenic for ZFYVE26-related disorders. Last evaluated: 2018-08-30. Review status: criteria provided, single submitter. Criteria: ACMG Guidelines, 2015. Collection method: clinical testing. Allele origin: germline. Affected: yes. Observed: 1 variant allele.

Literature cited by the submitters: PubMed 18394578 (cited by Labcorp Genetics (formerly Invitae), Labcorp); PubMed 19805727 (cited by Labcorp Genetics (formerly Invitae), Labcorp).

NM_015346.4(ZFYVE26):c.4608G>A (p.Trp1536Ter)

Gene: ZFYVE26 (zinc finger FYVE-type containing 26; minus strand). Cytogenetic location: 14q24.1.
Variant type: single nucleotide variant.
Coding change: c.4608G>A on transcript NM_015346.4 (MANE Select); coding-DNA position 4608, G replaced by A.
Protein change: p.Trp1536Ter; replaces tryptophan 1536 with a stop codon.
Molecular consequence: nonsense.
Genome position (GRCh38, 1-based): chr14:67,780,307, C>T on the plus strand (G>A on the coding strand, the complement: ZFYVE26 is on the minus strand). VCF-style: chr14-67780307-C-T. GRCh37 (hg19) VCF-style: chr14-68247024-C-T.
Other names: short protein forms W1536*.
Identifiers: ClinVar variation 1454513 (VCV001454513.7), dbSNP rs2140218992, ClinGen allele CA390169426.